The following is an entry in ClinVar:

ClinVar aggregate classification (germline): Likely pathogenic. Review status: criteria provided, multiple submitters, no conflicts (2 of 4 stars). 2 submissions from 2 submitters: Likely pathogenic (2). Last evaluated 2022-08-11.

Conditions:
TUBGCP6-related disorder. Also called: TUBGCP6-related condition.

Allele frequency attached by ClinVar (database versions not stated): gnomAD exomes below 0.00001; gnomAD 0.00001; TOPMed 0.00001.
gnomAD v4.1: 3 of 1,613,450 alleles (0.00019%); highest among the groups gnomAD compares: African/African-American, 0.0027%; no homozygotes.

Submissions (2):

Blueprint Genetics
Classification: Likely pathogenic for TUBGCP6-related disorders. Last evaluated: 2022-08-11. Review status: criteria provided, single submitter. Criteria: ACMG Guidelines, 2015. Collection method: clinical testing. Allele origin: germline. Affected: yes. Observed: 1 variant allele.

Labcorp Genetics (formerly Invitae), Labcorp
Classification: Likely pathogenic. Last evaluated: 2022-07-12. Review status: criteria provided, single submitter. Criteria: Invitae Variant Classification Sherloc (09022015). Collection method: clinical testing. Allele origin: germline.
Comment: In summary, the currently available evidence indicates that the variant is pathogenic, but additional data are needed to prove that conclusively. Therefore, this variant has been classified as Likely Pathogenic. Algorithms developed to predict the effect of sequence changes on RNA splicing suggest that this variant may disrupt the consensus splice site. ClinVar contains an entry for this variant (Variation ID: 1066200). This variant has not been reported in the literature in individuals affected with TUBGCP6-related conditions. This variant is not present in population databases (gnomAD no frequency). This sequence change affects a donor splice site in intron 2 of the TUBGCP6 gene. It is expected to disrupt RNA splicing. Variants that disrupt the donor or acceptor splice site typically lead to a loss of protein function (PMID: 16199547), and loss-of-function variants in TUBGCP6 are known to be pathogenic (PMID: 25344692).

Literature cited by the submitters: PubMed 16199547 (cited by Labcorp Genetics (formerly Invitae), Labcorp); PubMed 25344692 (cited by Labcorp Genetics (formerly Invitae), Labcorp).

NM_020461.4(TUBGCP6):c.905+1G>A

Gene: TUBGCP6 (tubulin gamma complex component 6; minus strand). Cytogenetic location: 22q13.33.
Variant type: single nucleotide variant.
Coding change: c.905+1G>A on transcript NM_020461.4 (MANE Select); the canonical splice donor site of the intron after coding-DNA position 905, G replaced by A.
Molecular consequence: splice donor variant.
Genome position (GRCh38, 1-based): chr22:50,240,203, C>T on the plus strand (G>A on the coding strand, the complement: TUBGCP6 is on the minus strand). VCF-style: chr22-50240203-C-T. GRCh37 (hg19) VCF-style: chr22-50678632-C-T.
Identifiers: ClinVar variation 1066200 (VCV001066200.8), dbSNP rs951985752, ClinGen allele CA325481689.